The following is an entry in ClinVar:

NM_213720.3(CHCHD10):c.271C>A (p.Pro91Thr)

Gene: CHCHD10 (coiled-coil-helix-coiled-coil-helix domain containing 10; minus strand). Cytogenetic location: 22q11.23.
Variant type: single nucleotide variant.
Coding change: c.271C>A on transcript NM_213720.3 (MANE Select); coding-DNA position 271, C replaced by A.
Protein change: p.Pro91Thr; replaces proline 91 with threonine.
Molecular consequence: missense variant. On other transcripts: non-coding transcript variant (2).
Genome position (GRCh38, 1-based): chr22:23,766,266, G>T on the plus strand (C>A on the coding strand, the complement: CHCHD10 is on the minus strand). VCF-style: chr22-23766266-G-T. GRCh37 (hg19) VCF-style: chr22-24108453-G-T.
Other names: c.292C>A, p.Pro98Thr (NM_001301339.2); short protein forms P91T, P98T.
Identifiers: ClinVar variation 2652968 (VCV002652968.24), dbSNP rs2517618144, ClinGen allele CA410915222.

ClinVar aggregate classification (germline): Uncertain significance (1 of 4 stars; one submission).

Submission:

CeGaT Center for Human Genetics Tuebingen
Classification: Uncertain significance. Last evaluated: 2022-04-01. Review status: criteria provided, single submitter. Criteria: CeGaT Center For Human Genetics Tuebingen Variant Classification Criteria Version 2. Collection method: clinical testing. Allele origin: germline. Affected: yes. Observed: 1 variant allele.
Comment: CHCHD10: PM2, BP4